The following is an entry in ClinVar:

NM_000051.4(ATM):c.8851-19A>G

Genes: ATM (ATM serine/threonine kinase; plus strand), C11orf65 (chromosome 11 open reading frame 65; minus strand). Cytogenetic location: 11q22.3.
Variant type: single nucleotide variant.
Coding change: c.8851-19A>G on transcript NM_000051.4 (MANE Select); 19 bases into the intron before coding-DNA position 8851, A replaced by G.
Molecular consequence: intron variant.
Genome position (GRCh38, 1-based): chr11:108,365,063, A>G. VCF-style: chr11-108365063-A-G. GRCh37 (hg19) VCF-style: chr11-108235790-A-G.
Other names: c.8851-19A>G (NM_001351834.2); c.640+20857T>C (NM_001330368.2); c.694+20857T>C (NM_001351110.2).
Identifiers: ClinVar variation 627904 (VCV000627904.11), dbSNP rs772496794, ClinGen allele CA6266478.

ClinVar aggregate classification (germline): Likely benign. Review status: criteria provided, multiple submitters, no conflicts (2 of 4 stars). 3 submissions from 3 submitters: Likely benign (3). Last evaluated 2025-10-14.

Conditions:
Hereditary cancer-predisposing syndrome. Also called: Tumor predisposition; Hereditary neoplastic syndrome; Neoplastic Syndromes, Hereditary; Hereditary Cancer Syndrome. Identifiers: Orphanet 140162, MedGen C0027672, MeSH D009386, MONDO:0015356.
Familial cancer of breast. Also called: Hereditary breast cancer; BREAST CANCER, FAMILIAL; hereditary breast carcinoma. Identifiers: Orphanet 227535, MedGen C0346153, MONDO:0016419, OMIM 114480. Disease mechanism: loss of function.
Ataxia-telangiectasia syndrome (AT). Also called: Ataxia-telangiectasia, complementation group D; AT, COMPLEMENTATION GROUP C; ATAXIA-TELANGIECTASIA, COMPLEMENTATION GROUP A; ATAXIA-TELANGIECTASIA, FRESNO VARIANT; Ataxia-telangiectasia; LOUIS-BAR SYNDROME. Identifiers: Orphanet 100, MedGen C0004135, MONDO:0008840, OMIM 208900.

Allele frequency attached by ClinVar (database versions not stated): gnomAD exomes 0.00003 and 0.00002; ExAC 0.00003.
gnomAD v4.1: 22 of 1,612,908 alleles (0.0014%); highest among the groups gnomAD compares: South Asian, 0.022%; 1 homozygote.

Submissions (3):

Labcorp Genetics (formerly Invitae), Labcorp
Classification: Likely benign for Ataxia-telangiectasia syndrome. Last evaluated: 2025-10-14. Review status: criteria provided, single submitter. Criteria: Invitae Variant Classification Sherloc (09022015). Collection method: clinical testing. Allele origin: germline.

Myriad Genetics, Inc.
Classification: Likely benign for Familial cancer of breast. Last evaluated: 2024-06-21. Review status: criteria provided, single submitter. Criteria: Myriad Autosomal Dominant, Autosomal Recessive and X-Linked Classification Criteria (2023). Collection method: clinical testing. Allele origin: unknown.
Comment: This variant is considered likely benign. This variant is intronic and is not expected to impact mRNA splicing.

Color Diagnostics, LLC DBA Color Health
Classification: Likely benign for Hereditary cancer-predisposing syndrome. Last evaluated: 2018-03-16. Review status: criteria provided, single submitter. Criteria: ACMG Guidelines, 2015. Collection method: clinical testing. Allele origin: germline.